The following is an entry in ClinVar:

ClinVar aggregate classification (germline): Likely pathogenic (1 of 4 stars; one submission).

Conditions:
Wiedemann-Steiner syndrome (WDSTS). Also called: Growth deficiency and mental retardation with facial dysmorphism. Identifiers: Orphanet 319182, MedGen C1854630, MONDO:0011518, OMIM 605130.

Submission:

Institute of Medical Genetics and Genomics, Sir Ganga Ram Hospital
Classification: Likely pathogenic for Wiedemann-Steiner syndrome. Last evaluated: 2024-12-13. Review status: criteria provided, single submitter. Criteria: ACMG Guidelines, 2015. Collection method: clinical testing. Allele origin: de novo. Inheritance: Autosomal dominant inheritance. Affected: yes. Observed: 1 heterozygote.
Comment: The identified heterozygous de-novo variant [PM6] in KMT2A is a null variant which is predicted to undergo non-sense mediated decay[PVS1] and is absent from the control population database[PM2] hence classified as likely pathogenic

NM_001197104.2(KMT2A):c.6611C>G (p.Ser2204Ter)

Gene: KMT2A (lysine methyltransferase 2A; plus strand). Cytogenetic location: 11q23.3.
Variant type: single nucleotide variant.
Coding change: c.6611C>G on transcript NM_001197104.2 (MANE Select); coding-DNA position 6611, C replaced by G.
Protein change: p.Ser2204Ter; replaces serine 2204 with a stop codon.
Molecular consequence: nonsense.
Genome position (GRCh38, 1-based): chr11:118,502,503, C>G. VCF-style: chr11-118502503-C-G. GRCh37 (hg19) VCF-style: chr11-118373218-C-G.
Other names: c.6701C>G, p.Ser2234Ter (NM_001412597.1); c.6602C>G, p.Ser2201Ter (NM_005933.4); short protein forms S2201*, S2204*, S2234*.
Identifiers: ClinVar variation 3390854 (VCV003390854.2).